The following is an entry in ClinVar:

ClinVar aggregate classification (germline): Conflicting classifications of pathogenicity. Review status: criteria provided, conflicting classifications (1 of 4 stars). 4 submissions from 4 submitters: Uncertain significance (3); Likely benign (1). Last evaluated 2025-06-17.

Conditions:
Alternating hemiplegia of childhood 1 (AHC1). Identifiers: Orphanet 2131, MedGen C3549447, MONDO:0007087, OMIM 104290.
Migraine, familial hemiplegic, 2. Identifiers: Orphanet 569, MedGen C1865322, MONDO:0011232, OMIM 602481.
Fetal akinesia, respiratory insufficiency, microcephaly, polymicrogyria, and dysmorphic facies. Identifiers: MedGen C5562015, MONDO:0859204, OMIM 619602.
Developmental and epileptic encephalopathy 98. Identifiers: MedGen C5562017, MONDO:0030472, OMIM 619605.
Familial hemiplegic migraine. Identifiers: MedGen C0338484, MONDO:0000700.

Allele frequency attached by ClinVar (database versions not stated): gnomAD exomes 0.00003 and 0.00005; ExAC 0.00008; gnomAD 0.00011 and 0.00014; TOPMed 0.00014; ESP Exome Variant Server 0.00015; 1000 Genomes Project 30x 0.00016; 1000 Genomes Project 0.00020.
gnomAD v4.1: 63 of 1,611,420 alleles (0.0039%); highest among the groups gnomAD compares: African/African-American, 0.035%; no homozygotes.

Submissions (4):

Labcorp Genetics (formerly Invitae), Labcorp
Classification: Likely benign for Familial hemiplegic migraine. Last evaluated: 2025-06-17. Review status: criteria provided, single submitter. Criteria: Invitae Variant Classification Sherloc (09022015). Collection method: clinical testing. Allele origin: germline.

GeneDx
Classification: Uncertain significance. Last evaluated: 2025-06-11. Review status: criteria provided, single submitter. Criteria: GeneDx Variant Classification Process June 2021. Collection method: clinical testing. Allele origin: germline. Affected: yes.
Comment: Observed in the heterozygous state in an individual with younger-onset apparently sporadic small vessel disease stroke (PMID: 31719132); In silico analysis suggests that this missense variant does not alter protein structure/function; This variant is associated with the following publications: (PMID: 18184292, 31719132)

Revvity Omics, Revvity
Classification: Uncertain significance. Last evaluated: 2024-07-31. Review status: criteria provided, single submitter. Criteria: ACMG Guidelines, 2015. Collection method: clinical testing. Allele origin: germline.

Fulgent Genetics
Classification: Uncertain significance for Alternating hemiplegia of childhood 1; Migraine, familial hemiplegic, 2; Fetal akinesia, respiratory insufficiency, microcephaly, polymicrogyria, and dysmorphic facies; Developmental and epileptic encephalopathy 98. Last evaluated: 2022-02-11. Review status: criteria provided, single submitter. Criteria: ACMG Guidelines, 2015. Collection method: clinical testing. Allele origin: unknown.

NM_000702.4(ATP1A2):c.1262G>A (p.Arg421Gln)

Gene: ATP1A2 (ATPase Na+/K+ transporting subunit alpha 2; plus strand). Cytogenetic location: 1q23.2.
Variant type: single nucleotide variant.
Coding change: c.1262G>A on transcript NM_000702.4 (MANE Select); coding-DNA position 1262, G replaced by A.
Protein change: p.Arg421Gln; replaces arginine 421 with glutamine.
Molecular consequence: missense variant.
Genome position (GRCh38, 1-based): chr1:160,129,025, G>A. VCF-style: chr1-160129025-G-A. GRCh37 (hg19) VCF-style: chr1-160098815-G-A.
Other names: short protein forms R421Q.
Identifiers: ClinVar variation 406194 (VCV000406194.13), dbSNP rs139499540, ClinGen allele CA1194429.